The following is an entry in ClinVar:

NM_001035.3(RYR2):c.7342+322T>C

Gene: RYR2 (ryanodine receptor 2; plus strand). Cytogenetic location: 1q43.
Variant type: single nucleotide variant.
Coding change: c.7342+322T>C on transcript NM_001035.3 (MANE Select); 322 bases into the intron after coding-DNA position 7342, T replaced by C.
Molecular consequence: intron variant.
Genome position (GRCh38, 1-based): chr1:237,643,769, T>C. VCF-style: chr1-237643769-T-C. GRCh37 (hg19) VCF-style: chr1-237807069-T-C.
Identifiers: ClinVar variation 683787 (VCV000683787.1), dbSNP rs4430316, ClinGen allele CA39792454.

ClinVar aggregate classification (germline): Benign (1 of 4 stars; one submission).

Allele frequency attached by ClinVar (database versions not stated): 1000 Genomes Project 30x 0.99797; 1000 Genomes Project 0.99800; gnomAD 0.99932 and 0.99934; TOPMed 0.99932.
gnomAD v4.1: 151,982 of 152,086 alleles (100%); highest among the groups gnomAD compares: Middle Eastern, 100%; 75,939 homozygotes.

Submission:

GeneDx
Classification: Benign. Last evaluated: 2018-06-18. Review status: criteria provided, single submitter. Criteria: GeneDx Variant Classification (06012015). Collection method: clinical testing. Allele origin: germline. Affected: yes.
Comment: This variant is considered likely benign or benign based on one or more of the following criteria: it is a conservative change, it occurs at a poorly conserved position in the protein, it is predicted to be benign by multiple in silico algorithms, and/or has population frequency not consistent with disease.